The following is an entry in ClinVar:

ClinVar aggregate classification (germline): Uncertain significance (1 of 4 stars; one submission).

Conditions:
Long QT syndrome (LQTS). Identifiers: MedGen C0023976, MeSH D008133, MONDO:0002442. Disease mechanism: loss of function. Inheritance: Various modes of inheritance.

Allele frequency attached by ClinVar (database versions not stated): TOPMed below 0.00001.

Submission:

Labcorp Genetics (formerly Invitae), Labcorp
Classification: Uncertain significance for Long QT syndrome. Last evaluated: 2017-02-21. Review status: criteria provided, single submitter. Criteria: Invitae Variant Classification Sherloc (09022015). Collection method: clinical testing. Allele origin: germline.
Comment: This sequence change replaces glutamic acid with aspartic acid at codon 3170 of the ANK2 protein (p.Glu3170Asp). The glutamic acid residue is weakly conserved and there is a small physicochemical difference between glutamic acid and aspartic acid. This variant is not present in population databases (ExAC no frequency) and has not been reported in the literature in individuals with an ANK2-related disease. Algorithms developed to predict the effect of missense changes on protein structure and function output the following: (SIFT: "Tolerated"; PolyPhen-2: "Benign"; Align-GVGD: "Class C0"). The aspartic acid amino acid residue is found in multiple mammalian species, suggesting that this missense change does not adversely affect protein function. These predictions have not been confirmed by published functional studies. In summary, this variant is a novel missense change that is not predicted to affect protein function. There is no indication that it causes disease, but the available evidence is currently insufficient to prove that conclusively. Therefore, it has been classified as a Variant of Uncertain Significance.

NM_001148.6(ANK2):c.9510A>C (p.Glu3170Asp)

Gene: ANK2 (ankyrin 2; plus strand). Cytogenetic location: 4q26.
Variant type: single nucleotide variant.
Coding change: c.9510A>C on transcript NM_001148.6 (MANE Select); coding-DNA position 9510, A replaced by C.
Protein change: p.Glu3170Asp; replaces glutamic acid 3170 with aspartic acid.
Molecular consequence: missense variant. On other transcripts: intron variant (68).
Genome position (GRCh38, 1-based): chr4:113,358,128, A>C. VCF-style: chr4-113358128-A-C. GRCh37 (hg19) VCF-style: chr4-114279284-A-C.
Other names: c.9276A>C, p.Glu3092Asp (NM_001386142.1); c.5910A>C, p.Glu1970Asp (NM_001386166.1); c.9651A>C, p.Glu3217Asp (NM_001386174.1); c.9627A>C, p.Glu3209Asp (NM_001386175.1); c.4412-2695A>C (NM_001386186.2, NM_001386148.2); c.4214-2695A>C (NM_001354269.3); c.4292-2695A>C (NM_001386187.2); c.4253-2695A>C (NM_001386147.1); and 35 more; short protein forms E3170D, E1970D, E3092D, E3209D, E3217D.
Identifiers: ClinVar variation 457070 (VCV000457070.5), dbSNP rs1197969705, ClinGen allele CA357937830.